The following is an entry in ClinVar:

NM_002474.3(MYH11):c.3294-8C>T

Gene: MYH11 (myosin heavy chain 11; minus strand). Cytogenetic location: 16p13.11.
Variant type: single nucleotide variant.
Coding change: c.3294-8C>T on transcript NM_002474.3 (MANE Select); 8 bases into the intron before coding-DNA position 3294, C replaced by T.
Molecular consequence: intron variant.
Genome position (GRCh38, 1-based): chr16:15,735,586, G>A on the plus strand (C>T on the coding strand, the complement: MYH11 is on the minus strand). VCF-style: chr16-15735586-G-A. GRCh37 (hg19) VCF-style: chr16-15829443-G-A.
Other names: c.3294-8C>T (NM_022844.3); c.3315-8C>T (NM_001040114.2, NM_001040113.2).
Identifiers: ClinVar variation 512516 (VCV000512516.1), dbSNP rs1555556677, ClinGen allele CA658798551.

ClinVar aggregate classification (germline): Likely benign (1 of 4 stars; one submission).

Submission:

GeneDx
Classification: Likely benign. Last evaluated: 2017-10-03. Review status: criteria provided, single submitter. Criteria: GeneDx Variant Classification (06012015). Collection method: clinical testing. Allele origin: germline. Affected: yes.
Comment: This variant is considered likely benign or benign based on one or more of the following criteria: it is a conservative change, it occurs at a poorly conserved position in the protein, it is predicted to be benign by multiple in silico algorithms, and/or has population frequency not consistent with disease.